The following is an entry in ClinVar:

ClinVar aggregate classification (germline): Likely benign. Review status: criteria provided, multiple submitters, no conflicts (2 of 4 stars). 2 submissions from 2 submitters: Likely benign (2). Last evaluated 2025-12-09.

Conditions:
HADHA-related disorder. Also called: HADHA-related condition; HADHA-related disorders.
Mitochondrial trifunctional protein deficiency. Identifiers: Orphanet 746, MedGen C1969443, MONDO:0012172.
Long chain 3-hydroxyacyl-CoA dehydrogenase deficiency. Also called: Deficiency of long-chain 3-hydroxyacyl-coenzyme A dehydrogenase; LCHAD Deficiency. Identifiers: Orphanet 5, MedGen C3711645, MONDO:0012173, OMIM 609016.

Allele frequency attached by ClinVar (database versions not stated): ExAC 0.00001; gnomAD exomes 0.00001; gnomAD 0.00002; TOPMed 0.00002; ESP Exome Variant Server 0.00008.
gnomAD v4.1: 16 of 1,607,064 alleles (0.001%); highest among the groups gnomAD compares: Non-Finnish European, 0.0013%; no homozygotes.

Submissions (2):

Labcorp Genetics (formerly Invitae), Labcorp
Classification: Likely benign for Mitochondrial trifunctional protein deficiency; Long chain 3-hydroxyacyl-CoA dehydrogenase deficiency. Last evaluated: 2025-12-09. Review status: criteria provided, single submitter. Criteria: Invitae Variant Classification Sherloc (09022015). Collection method: clinical testing. Allele origin: germline.

PreventionGenetics, part of Exact Sciences
Classification: Likely benign for HADHA-related condition. Last evaluated: 2025-07-24. Review status: criteria provided, single submitter. Criteria: ACMG Guidelines, 2015. Collection method: clinical testing. Allele origin: germline.
Comment: This variant is classified as likely benign based on ACMG/AMP sequence variant interpretation guidelines (Richards et al. 2015 PMID: 25741868, with internal and published modifications).

NM_000182.5(HADHA):c.183A>G (p.Val61=)

Gene: HADHA (hydroxyacyl-CoA dehydrogenase trifunctional multienzyme complex subunit alpha; minus strand). Cytogenetic location: 2p23.3.
Variant type: single nucleotide variant.
Coding change: c.183A>G on transcript NM_000182.5 (MANE Select); coding-DNA position 183, A replaced by G.
Protein change: p.Val61=; no amino-acid change (valine 61 retained).
Molecular consequence: synonymous variant.
Genome position (GRCh38, 1-based): chr2:26,236,986, T>C on the plus strand (A>G on the coding strand, the complement: HADHA is on the minus strand). VCF-style: chr2-26236986-T-C. GRCh37 (hg19) VCF-style: chr2-26459854-T-C.
Other names: c.183A>G (NM_000182.4).
Identifiers: ClinVar variation 1571600 (VCV001571600.9), dbSNP rs370149021, ClinGen allele CA1559940.